The following is an entry in ClinVar:

NM_001128840.3(CACNA1D):c.5813C>T (p.Pro1938Leu)

Gene: CACNA1D (calcium voltage-gated channel subunit alpha1 D; plus strand). Cytogenetic location: 3p21.1.
Variant type: single nucleotide variant.
Coding change: c.5813C>T on transcript NM_001128840.3 (MANE Select); coding-DNA position 5813, C replaced by T.
Protein change: p.Pro1938Leu; replaces proline 1938 with leucine.
Molecular consequence: missense variant.
Genome position (GRCh38, 1-based): chr3:53,808,712, C>T. VCF-style: chr3-53808712-C-T. GRCh37 (hg19) VCF-style: chr3-53842739-C-T.
Other names: c.5873C>T, p.Pro1958Leu (NM_000720.4); c.5741C>T, p.Pro1914Leu (NM_001128839.3); short protein forms P1958L, P1914L, P1938L.
Identifiers: ClinVar variation 505106 (VCV000505106.23), dbSNP rs770886605, ClinGen allele CA2455277.

ClinVar aggregate classification (germline): Conflicting classifications of pathogenicity. Review status: criteria provided, conflicting classifications (1 of 4 stars). 8 submissions from 8 submitters: Uncertain significance (7); Likely benign (1). Last evaluated 2026-08-07.

Conditions:
Inborn genetic diseases. Identifiers: MedGen C0950123, MeSH D030342.

Allele frequency attached by ClinVar (database versions not stated): gnomAD exomes 0.00003 and 0.00004; gnomAD 0.00001; ExAC 0.00002; TOPMed 0.00002.
gnomAD v4.1: 41 of 1,609,166 alleles (0.0025%); highest among the groups gnomAD compares: Middle Eastern, 0.016%; no homozygotes.

Submissions (8):

GeneDx
Classification: Uncertain significance. Last evaluated: 2026-08-07. Review status: criteria provided, single submitter. Criteria: GeneDx Variant Classification Process June 2021. Collection method: clinical testing. Allele origin: germline.
Comment: In silico analysis suggests that this missense variant does not alter protein structure/function; Has not been previously published as pathogenic or benign to our knowledge

Labcorp Genetics (formerly Invitae), Labcorp
Classification: Uncertain significance. Last evaluated: 2025-12-02. Review status: criteria provided, single submitter. Criteria: Invitae Variant Classification Sherloc (09022015). Collection method: clinical testing. Allele origin: germline.
Comment: This sequence change replaces proline, which is neutral and non-polar, with leucine, which is neutral and non-polar, at codon 1958 of the CACNA1D protein (p.Pro1958Leu). This variant is present in population databases (rs770886605, gnomAD 0.02%). This variant has not been reported in the literature in individuals affected with CACNA1D-related conditions. ClinVar contains an entry for this variant (Variation ID: 505106). An algorithm developed to predict the effect of missense changes on protein structure and function outputs the following: PolyPhen-2: "Benign". The leucine amino acid residue is found in multiple mammalian species, which suggests that this missense change does not adversely affect protein function. In summary, the available evidence is currently insufficient to determine the role of this variant in disease. Therefore, it has been classified as a Variant of Uncertain Significance.

Women's Health and Genetics/Laboratory Corporation of America, LabCorp
Classification: Uncertain significance. Last evaluated: 2025-08-19. Review status: criteria provided, single submitter. Criteria: LabCorp Variant Classification Summary - May 2015. Collection method: clinical testing. Allele origin: germline.
Comment: Variant summary: CACNA1D c.5873C>T (p.Pro1958Leu) results in a non-conservative amino acid change located in the Voltage-gated calcium channel subunit alpha, C-terminal domain (IPR031688) of the encoded protein sequence. Algorithms developed to predict the effect of missense changes on protein structure and function are either unavailable or do not agree on the potential impact of this missense change. The variant allele was found at a frequency of 4.4e-05 in 247672 control chromosomes. This frequency is not significantly higher than estimated for a pathogenic variant in CACNA1D causing Sinoatrial Node Dysfunction And Deafness, allowing no conclusion about variant significance. To our knowledge, no occurrence of c.5873C>T in individuals affected with Sinoatrial Node Dysfunction And Deafness and no experimental evidence demonstrating its impact on protein function have been reported. ClinVar contains an entry for this variant (Variation ID: 505106). Based on the evidence outlined above, the variant was classified as uncertain significance.

Ambry Genetics
Classification: Uncertain significance for Inborn genetic diseases. Last evaluated: 2025-01-24. Review status: criteria provided, single submitter. Criteria: Ambry Variant Classification Scheme 2023. Collection method: clinical testing. Allele origin: germline.

Mayo Clinic Laboratories, Mayo Clinic
Classification: Uncertain significance. Last evaluated: 2023-04-24. Review status: criteria provided, single submitter. Criteria: ACMG Guidelines, 2015. Collection method: clinical testing. Allele origin: germline. Observed: 1 variant allele.
Comment: BP4, PP2

Genetic Services Laboratory, University of Chicago
Classification: Uncertain significance. Last evaluated: 2020-08-07. Review status: criteria provided, single submitter. Criteria: ACMG Guidelines, 2015. Collection method: clinical testing. Allele origin: germline. Affected: no.
Comment: DNA sequence analysis of the CACNA1D gene demonstrated a sequence change, c.5873C>T, in exon 47 that results in an amino acid change, p.Pro1958Leu. This sequence change does not appear to have been previously described in patients with CACNA1D-related disorders and has has been described in the gnomAD database with a low population frequency of 0.0044% (dbSNP rs770886605). The p.Pro1958Leu change affects a moderately conserved amino acid residue located in a domain of the CACNA1D protein that is not known to be functional. The p.Pro1958Leu substitution appears to be benign using several in-silico pathogenicity prediction tools (SIFT, PolyPhen2, Align GVGD, REVEL).

Revvity Omics, Revvity
Classification: Uncertain significance. Last evaluated: 2020-05-06. Review status: criteria provided, single submitter. Criteria: ACMG Guidelines, 2015. Collection method: clinical testing. Allele origin: germline.

Laboratory for Molecular Medicine, Mass General Brigham Personalized Medicine
Classification: Likely benign. Last evaluated: 2016-06-20. Review status: criteria provided, single submitter. Criteria: LMM Criteria. Collection method: clinical testing. Allele origin: germline. Observed: 1 variant allele.
Comment: p.Pro1958Leu in exon 47 of CACNA1D: This variant is not expected to have clinica l significance due to a lack of conservation across species, including mammals. Of note, 8 mammals have a leucine (Leu) at this position despite high nearby ami no acid conservation. In addition, computational prediction tools do not suggest a high likelihood of impact to the protein. This variant has been identified in 1/8586 East Asian chromosomes by the Exome Aggregation Consortium (ExAC; dbSNP rs770886605).